The following is an entry in ClinVar:

ClinVar aggregate classification (germline): Uncertain significance (1 of 4 stars; one submission).

Allele frequency attached by ClinVar (database versions not stated): gnomAD exomes below 0.00001 and 0.00001; TOPMed below 0.00001; ESP Exome Variant Server 0.00008.

Submission:

GeneDx
Classification: Uncertain significance. Last evaluated: 2019-12-30. Review status: criteria provided, single submitter. Criteria: GeneDx Variant Classification Process June 2021. Collection method: clinical testing. Allele origin: germline. Affected: yes.
Comment: In-frame deletion of 1 amino acid in a non-repeat region; Not observed at a significant frequency in large population cohorts (Lek et al., 2016); In silico analysis, which includes protein predictors and evolutionary conservation, supports a deleterious effect; Has not been previously published as pathogenic or benign to our knowledge

NM_004130.4(GYG1):c.244_246del (p.Val82del)

Gene: GYG1 (glycogenin 1; plus strand). Cytogenetic location: 3q24.
Variant type: Deletion.
Coding change: c.244_246del on transcript NM_004130.4 (MANE Select); coding-DNA positions 244 to 246, 3 bases deleted (GTC; older notation c.244_246delGTC).
Protein change: p.Val82del; deletes valine 82.
Molecular consequence: inframe deletion.
Genome position (GRCh38, 1-based): chr3:148,996,402-148,996,404, GTC deleted. VCF-style (leftmost placement, unchanged base first): chr3-148996401-TGTC-T. GRCh37 (hg19) VCF-style: chr3-148714188-TGTC-T.
Other names: c.244_246del, p.Val82del (NM_001184720.2, NM_001184721.2); short protein forms V82del.
Identifiers: ClinVar variation 1311362 (VCV001311362.2), dbSNP rs1347775185, ClinGen allele CA436202652.